The following is an entry in ClinVar:

ClinVar aggregate classification (germline): Benign/Likely benign. Review status: criteria provided, multiple submitters, no conflicts (2 of 4 stars). 4 submissions from 4 submitters: Benign (1); Likely benign (2). 1 of the submissions does not count toward it. Last evaluated 2025-08-10.

Conditions:
Inborn genetic diseases. Identifiers: MedGen C0950123, MeSH D030342.
Rubinstein-Taybi syndrome due to EP300 haploinsufficiency. Also called: EP300-Related Rubinstein-Taybi Syndrome; RUBINSTEIN-TAYBI SYNDROME 2. Identifiers: Orphanet 353284, Orphanet 783, MedGen C3150941, MONDO:0013364, OMIM 613684.
EP300-related disorder. Also called: EP300-related condition; EP300-related disorders.

Allele frequency attached by ClinVar (database versions not stated): gnomAD exomes 0.00001; TOPMed 0.00002; gnomAD 0.00004; ExAC 0.00005; 1000 Genomes Project 30x 0.00016; 1000 Genomes Project 0.00020.

Submissions (4):

Ambry Genetics
Classification: Likely benign for Inborn genetic diseases. Last evaluated: 2025-08-10. Review status: criteria provided, single submitter. Criteria: Ambry Variant Classification Scheme 2023. Collection method: clinical testing. Allele origin: germline.

Blueprint Genetics
Classification: Likely benign. Last evaluated: 2024-03-26. Review status: criteria provided, single submitter. Criteria: ACMG Guidelines, 2015. Collection method: clinical testing. Allele origin: germline.

Labcorp Genetics (formerly Invitae), Labcorp
Classification: Benign for Rubinstein-Taybi syndrome due to EP300 haploinsufficiency. Last evaluated: 2023-12-07. Review status: criteria provided, single submitter. Criteria: Invitae Variant Classification Sherloc (09022015). Collection method: clinical testing. Allele origin: germline.

PreventionGenetics, part of Exact Sciences
Classification: Likely benign for EP300-related condition. Last evaluated: 2021-12-10. Review status: no assertion criteria provided. Collection method: clinical testing. Allele origin: germline. Not counted in ClinVar's aggregate classification.
Comment: This variant is classified as likely benign based on ACMG/AMP sequence variant interpretation guidelines (Richards et al. 2015 PMID: 25741868, with internal and published modifications).

NM_001429.4(EP300):c.2801C>T (p.Pro934Leu)

Gene: EP300 (EP300 lysine acetyltransferase; plus strand). Cytogenetic location: 22q13.2.
Variant type: single nucleotide variant.
Coding change: c.2801C>T on transcript NM_001429.4 (MANE Select); coding-DNA position 2801, C replaced by T.
Protein change: p.Pro934Leu; replaces proline 934 with leucine.
Molecular consequence: missense variant.
Genome position (GRCh38, 1-based): chr22:41,150,182, C>T. VCF-style: chr22-41150182-C-T. GRCh37 (hg19) VCF-style: chr22-41546186-C-T.
Other names: c.2801C>T (NM_001429.3); c.2723C>T, p.Pro908Leu (NM_001362843.2); short protein forms P934L, P908L.
Identifiers: ClinVar variation 2153089 (VCV002153089.8), dbSNP rs564126491, ClinGen allele CA10252946.